The following is an entry in ClinVar:

ClinVar aggregate classification (germline): Pathogenic (1 of 4 stars; one submission).

Conditions:
Primary ciliary dyskinesia. Also called: Ciliary dyskinesia. Identifiers: Orphanet 244, MedGen C0008780, MONDO:0016575, HP:0012265.

Submission:

Labcorp Genetics (formerly Invitae), Labcorp
Classification: Pathogenic for Primary ciliary dyskinesia. Last evaluated: 2024-02-13. Review status: criteria provided, single submitter. Criteria: Invitae Variant Classification Sherloc (09022015). Collection method: clinical testing. Allele origin: germline.
Comment: This sequence change creates a premature translational stop signal (p.Ser1421Metfs*3) in the DNAH5 gene. It is expected to result in an absent or disrupted protein product. Loss-of-function variants in DNAH5 are known to be pathogenic (PMID: 11788826, 16627867). This variant is not present in population databases (gnomAD no frequency). This variant has not been reported in the literature in individuals affected with DNAH5-related conditions. For these reasons, this variant has been classified as Pathogenic.

Literature cited by the submitters: PubMed 11788826; PubMed 16627867.

NM_001369.3(DNAH5):c.4262del (p.Ser1421fs)

Genes: DNAH5 (dynein axonemal heavy chain 5; minus strand), DNAH5-AS1 (DNAH5 antisense RNA 1; plus strand). Cytogenetic location: 5p15.2.
Variant type: Deletion.
Coding change: c.4262del on transcript NM_001369.3 (MANE Select); coding-DNA position 4262, one base deleted (G; older notation c.4262delG).
Protein change: p.Ser1421fs; shifts the reading frame from serine 1421.
Molecular consequence: frameshift variant.
Genome position (GRCh38, 1-based): chr5:13,865,761, C deleted on the plus strand (G on the coding strand, the reverse complement: DNAH5 is on the minus strand). VCF-style (leftmost placement, unchanged base first): chr5-13865760-AC-A. GRCh37 (hg19) VCF-style: chr5-13865869-AC-A.
Other names: short protein forms S1421fs.
Identifiers: ClinVar variation 3691102 (VCV003691102.2).